The following is an entry in ClinVar:

NM_018027.5(FRMD4A):c.2723C>T (p.Ser908Leu)

Gene: FRMD4A (FERM domain containing 4A; minus strand). Cytogenetic location: 10p13.
Variant type: single nucleotide variant.
Coding change: c.2723C>T on transcript NM_018027.5 (MANE Select); coding-DNA position 2723, C replaced by T.
Protein change: p.Ser908Leu; replaces serine 908 with leucine.
Molecular consequence: missense variant.
Genome position (GRCh38, 1-based): chr10:13,656,866, G>A on the plus strand (C>T on the coding strand, the complement: FRMD4A is on the minus strand). VCF-style: chr10-13656866-G-A. GRCh37 (hg19) VCF-style: chr10-13698866-G-A.
Other names: c.2771C>T, p.Ser924Leu (NM_001318336.2); c.2822C>T, p.Ser941Leu (NM_001318337.2); c.1796C>T, p.Ser599Leu (NM_001318338.2); short protein forms S599L, S908L, S924L, S941L.
Identifiers: ClinVar variation 2640318 (VCV002640318.25), dbSNP rs547644775, ClinGen allele CA5413957.

ClinVar aggregate classification (germline): Uncertain significance. Review status: criteria provided, multiple submitters, no conflicts (2 of 4 stars). 2 submissions from 2 submitters: Uncertain significance (2). Last evaluated 2022-03-01.

Allele frequency attached by ClinVar (database versions not stated): TOPMed 0.00002; gnomAD 0.00004; gnomAD exomes 0.00004; ExAC 0.00017; 1000 Genomes Project 30x 0.00031; 1000 Genomes Project 0.00040.
gnomAD v4.1: 57 of 1,488,924 alleles (0.0038%); highest among the groups gnomAD compares: South Asian, 0.039%; no homozygotes.

Submissions (2):

CeGaT Center for Human Genetics Tuebingen
Classification: Uncertain significance. Last evaluated: 2022-03-01. Review status: criteria provided, single submitter. Criteria: CeGaT Center For Human Genetics Tuebingen Variant Classification Criteria Version 2. Collection method: clinical testing. Allele origin: germline. Affected: yes. Observed: 1 variant allele.
Comment: FRMD4A: PM2

Blueprint Genetics
Classification: Uncertain significance. Last evaluated: 2021-05-18. Review status: criteria provided, single submitter. Criteria: ACMG Guidelines, 2015. Collection method: clinical testing. Allele origin: germline.